The following is an entry in ClinVar:

NM_020381.4(PDSS2):c.799A>G (p.Met267Val)

Gene: PDSS2 (decaprenyl diphosphate synthase subunit 2; minus strand). Cytogenetic location: 6q21.
Variant type: single nucleotide variant.
Coding change: c.799A>G on transcript NM_020381.4 (MANE Select); coding-DNA position 799, A replaced by G.
Protein change: p.Met267Val; replaces methionine 267 with valine.
Molecular consequence: missense variant.
Genome position (GRCh38, 1-based): chr6:107,212,186, T>C on the plus strand (A>G on the coding strand, the complement: PDSS2 is on the minus strand). VCF-style: chr6-107212186-T-C. GRCh37 (hg19) VCF-style: chr6-107533390-T-C.
Other names: short protein forms M267V.
Identifiers: ClinVar variation 1928541 (VCV001928541.5), dbSNP rs377517207, ClinGen allele CA3946014.

ClinVar aggregate classification (germline): Uncertain significance (1 of 4 stars; one submission).

Allele frequency attached by ClinVar (database versions not stated): TOPMed below 0.00001; ExAC 0.00001; gnomAD exomes 0.00001; ESP Exome Variant Server 0.00008.
gnomAD v4.1: 3 of 1,614,106 alleles (0.00019%); highest among the groups gnomAD compares: East Asian, 0.0022%; no homozygotes.

Submission:

Labcorp Genetics (formerly Invitae), Labcorp
Classification: Uncertain significance. Last evaluated: 2025-03-17. Review status: criteria provided, single submitter. Criteria: Invitae Variant Classification Sherloc (09022015). Collection method: clinical testing. Allele origin: germline.
Comment: This sequence change replaces methionine, which is neutral and non-polar, with valine, which is neutral and non-polar, at codon 267 of the PDSS2 protein (p.Met267Val). This variant is present in population databases (rs377517207, gnomAD 0.006%). This variant has not been reported in the literature in individuals affected with PDSS2-related conditions. ClinVar contains an entry for this variant (Variation ID: 1928541). Invitae Evidence Modeling of protein sequence and biophysical properties (such as structural, functional, and spatial information, amino acid conservation, physicochemical variation, residue mobility, and thermodynamic stability) indicates that this missense variant is not expected to disrupt PDSS2 protein function with a negative predictive value of 80%. In summary, the available evidence is currently insufficient to determine the role of this variant in disease. Therefore, it has been classified as a Variant of Uncertain Significance.